The following is an entry in ClinVar:

ClinVar aggregate classification (germline): Uncertain significance. Review status: criteria provided, single submitter (1 of 4 stars). 2 submissions from 2 submitters: Uncertain significance (1). 1 of the submissions does not count toward it. Last evaluated 2022-12-28.

Conditions:
FDFT1-related disorder. Also called: FDFT1-related condition.

Allele frequency attached by ClinVar (database versions not stated): ESP Exome Variant Server 0.00023; gnomAD 0.00023; ExAC 0.00033.

Submissions (2):

Ambry Genetics
Classification: Uncertain significance. Last evaluated: 2022-12-28. Review status: criteria provided, single submitter. Criteria: Ambry Variant Classification Scheme 2023. Collection method: clinical testing. Allele origin: germline.

PreventionGenetics, part of Exact Sciences
Classification: Likely benign for FDFT1-related condition. Last evaluated: 2022-05-25. Review status: no assertion criteria provided. Collection method: clinical testing. Allele origin: germline. Not counted in ClinVar's aggregate classification.
Comment: This variant is classified as likely benign based on ACMG/AMP sequence variant interpretation guidelines (Richards et al. 2015 PMID: 25741868, with internal and published modifications).

NM_004462.5(FDFT1):c.608G>A (p.Arg203His)

Gene: FDFT1 (farnesyl-diphosphate farnesyltransferase 1). Cytogenetic location: 8p23.1.
Variant type: single nucleotide variant.
Coding change: c.608G>A on transcript NM_004462.5 (MANE Select); coding-DNA position 608, G replaced by A.
Protein change: p.Arg203His; replaces arginine 203 with histidine.
Molecular consequence: missense variant.
Genome position (GRCh38, 1-based): chr8:11,826,121, G>A. VCF-style: chr8-11826121-G-A. GRCh37 (hg19) VCF-style: chr8-11683630-G-A.
Other names: c.608G>A, p.Arg203His (NM_001287742.2, NM_001287743.2); c.416G>A, p.Arg139His (NM_001287744.2, NM_001287745.2, NM_001287747.2 and 2 more transcripts); c.785G>A, p.Arg262His (NM_001287750.2); c.353G>A, p.Arg118His (NM_001287751.2); c.107G>A, p.Arg36His (NM_001287756.2); c.785G>A (NM_001287750.1); short protein forms R118H, R262H, R36H, R139H, R203H.
Identifiers: ClinVar variation 2407222 (VCV002407222.4), dbSNP rs140001524, ClinGen allele CA4631896.